The following is an entry in ClinVar:

NM_001148.6(ANK2):c.11477T>C (p.Ile3826Thr)

Gene: ANK2 (ankyrin 2; plus strand). Cytogenetic location: 4q26.
Variant type: single nucleotide variant.
Coding change: c.11477T>C on transcript NM_001148.6 (MANE Select); coding-DNA position 11477, T replaced by C.
Protein change: p.Ile3826Thr; replaces isoleucine 3826 with threonine.
Molecular consequence: missense variant.
Genome position (GRCh38, 1-based): chr4:113,369,672, T>C. VCF-style: chr4-113369672-T-C. GRCh37 (hg19) VCF-style: chr4-114290828-T-C.
Other names: c.5192T>C, p.Ile1731Thr (NM_001354239.2, NM_001354252.2); c.5267T>C, p.Ile1756Thr (NM_001354240.2, NM_001354241.2, NM_001386144.1); c.5264T>C, p.Ile1755Thr (NM_001354242.2, NM_001354231.2); c.5159T>C, p.Ile1720Thr (NM_001354243.2, NM_001354255.2, NM_001386143.1); c.5156T>C, p.Ile1719Thr (NM_001354244.2, NM_001354256.2, NM_001386161.1); c.5060T>C, p.Ile1687Thr (NM_001354245.2, NM_001354262.2, NM_001354275.2); c.5219T>C, p.Ile1740Thr (NM_001354246.2, NM_001354265.2, NM_001354235.2); c.5036T>C, p.Ile1679Thr (NM_001354249.2, NM_001354266.2, NM_001354267.2 and 2 more transcripts); and 35 more; short protein forms I1580T, I1613T, I1641T, I1646T, I1654T, I1663T, I1666T, I1668T.
Identifiers: ClinVar variation 2633938 (VCV002633938.1), dbSNP rs1312091704, ClinGen allele CA357942796.

ClinVar aggregate classification (germline): Uncertain significance (1 of 4 stars; one submission).

Conditions:
ANK2-related disorder. Also called: ANK2-related condition.

Allele frequency attached by ClinVar (database versions not stated): gnomAD exomes below 0.00001.
gnomAD v4.1: 1 of 1,614,056 alleles (0.000062%); highest among the groups gnomAD compares: African/African-American, 0.0013%; no homozygotes.

Submission:

PreventionGenetics, part of Exact Sciences
Classification: Uncertain significance for ANK2-related condition. Last evaluated: 2023-09-28. Review status: criteria provided, single submitter. Criteria: ACMG Guidelines, 2015. Collection method: clinical testing. Allele origin: germline.
Comment: The ANK2 c.11477T>C variant is predicted to result in the amino acid substitution p.Ile3826Thr. To our knowledge, this variant has not been reported in the literature or in a large population database, indicating this variant is rare. At this time, the clinical significance of this variant is uncertain due to the absence of conclusive functional and genetic evidence.